The following is an entry in ClinVar:

NM_000059.4(BRCA2):c.1787A>G (p.Asp596Gly)

Gene: BRCA2 (BRCA2 DNA repair associated; plus strand). Cytogenetic location: 13q13.1.
Variant type: single nucleotide variant.
Coding change: c.1787A>G on transcript NM_000059.4 (MANE Select); coding-DNA position 1787, A replaced by G.
Protein change: p.Asp596Gly; replaces aspartic acid 596 with glycine.
Molecular consequence: missense variant.
Genome position (GRCh38, 1-based): chr13:32,333,265, A>G. VCF-style: chr13-32333265-A-G. GRCh37 (hg19) VCF-style: chr13-32907402-A-G.
Other names: short protein forms D596G.
Identifiers: ClinVar variation 841834 (VCV000841834.12), dbSNP rs2072422145, ClinGen allele CA387765741.

ClinVar aggregate classification (germline): Conflicting classifications of pathogenicity. Review status: criteria provided, conflicting classifications (1 of 4 stars). 3 submissions from 3 submitters: Uncertain significance (2); Likely benign (1). Last evaluated 2026-05-22.

Conditions:
Hereditary cancer-predisposing syndrome. Also called: Tumor predisposition; Neoplastic Syndromes, Hereditary; Hereditary neoplastic syndrome; Hereditary Cancer Syndrome. Identifiers: Orphanet 140162, MedGen C0027672, MeSH D009386, MONDO:0015356.
Hereditary breast ovarian cancer syndrome. Also called: Hereditary breast and ovarian cancer; Hereditary breast and ovarian cancer syndrome (HBOC); Hereditary breast and/or ovarian cancer syndrome; Breast and ovarian cancer; BRCA1- and BRCA2-Associated Hereditary Breast and Ovarian Cancer; Hereditary breast and ovarian cancer syndrome. Identifiers: Orphanet 145, MedGen C0677776, MeSH D061325, MONDO:0003582. Disease mechanism: loss of function.

Submissions (3):

Ambry Genetics
Classification: Uncertain significance for Hereditary cancer-predisposing syndrome. Last evaluated: 2026-05-22. Review status: criteria provided, single submitter. Criteria: Ambry Variant Classification Scheme 2023. Collection method: clinical testing. Allele origin: germline.
Comment: The p.D596G variant (also known as c.1787A>G), located in coding exon 9 of the BRCA2 gene, results from an A to G substitution at nucleotide position 1787. The aspartic acid at codon 596 is replaced by glycine, an amino acid with similar properties. This amino acid position is not well conserved in available vertebrate species. In addition, this alteration is predicted to be tolerated by in silico analysis. Based on the available evidence, the clinical significance of this variant remains unclear.

Labcorp Genetics (formerly Invitae), Labcorp
Classification: Uncertain significance for Hereditary breast ovarian cancer syndrome. Last evaluated: 2023-06-10. Review status: criteria provided, single submitter. Criteria: Invitae Variant Classification Sherloc (09022015). Collection method: clinical testing. Allele origin: germline.
Comment: Advanced modeling of protein sequence and biophysical properties (such as structural, functional, and spatial information, amino acid conservation, physicochemical variation, residue mobility, and thermodynamic stability) performed at Invitae indicates that this missense variant is not expected to disrupt BRCA2 protein function. ClinVar contains an entry for this variant (Variation ID: 841834). This variant has not been reported in the literature in individuals affected with BRCA2-related conditions. This variant is not present in population databases (gnomAD no frequency). This sequence change replaces aspartic acid, which is acidic and polar, with glycine, which is neutral and non-polar, at codon 596 of the BRCA2 protein (p.Asp596Gly). In summary, the available evidence is currently insufficient to determine the role of this variant in disease. Therefore, it has been classified as a Variant of Uncertain Significance.

University of Washington Department of Laboratory Medicine, University of Washington
Classification: Likely benign for Hereditary cancer-predisposing syndrome. Last evaluated: 2023-03-23. Review status: criteria provided, single submitter. Criteria: Dines et al. (Genet Med. 2020). Collection method: curation. Allele origin: germline.
Comment: Missense variant in a coldspot region where missense variants are very unlikely to be pathogenic (PMID:31911673).

BRCA2 exon 10 coldspot. Reclassification based on statistical prior probability.